The following is an entry in ClinVar:

NM_000182.5(HADHA):c.1753G>A (p.Ala585Thr)

Genes: GAREM2 (GRB2 associated regulator of MAPK1 subtype 2; plus strand), HADHA (hydroxyacyl-CoA dehydrogenase trifunctional multienzyme complex subunit alpha; minus strand). Cytogenetic location: 2p23.3.
Variant type: single nucleotide variant.
Coding change: c.1753G>A on transcript NM_000182.5 (MANE Select); coding-DNA position 1753, G replaced by A.
Protein change: p.Ala585Thr; replaces alanine 585 with threonine.
Molecular consequence: missense variant.
Genome position (GRCh38, 1-based): chr2:26,193,709, C>T on the plus strand (G>A on the coding strand, the complement: HADHA is on the minus strand). VCF-style: chr2-26193709-C-T. GRCh37 (hg19) VCF-style: chr2-26416578-C-T.
Other names: c.1753G>A (NM_000182.4); short protein forms A585T.
Identifiers: ClinVar variation 1046961 (VCV001046961.6), dbSNP rs753722938, ClinGen allele CA1559461.

ClinVar aggregate classification (germline): Uncertain significance. Review status: criteria provided, multiple submitters, no conflicts (2 of 4 stars). 5 submissions from 5 submitters: Uncertain significance (4). 1 of the submissions does not count toward it. Last evaluated 2024-07-11.

Conditions:
Long chain 3-hydroxyacyl-CoA dehydrogenase deficiency. Also called: LCHAD Deficiency; Deficiency of long-chain 3-hydroxyacyl-coenzyme A dehydrogenase. Identifiers: Orphanet 5, MedGen C3711645, MONDO:0012173, OMIM 609016.
Mitochondrial trifunctional protein deficiency. Identifiers: Orphanet 746, MedGen C1969443, MONDO:0012172.
Inborn genetic diseases. Identifiers: MedGen C0950123, MeSH D030342.

Allele frequency attached by ClinVar (database versions not stated): gnomAD exomes below 0.00001 and 0.00001; ExAC 0.00001; TOPMed 0.00003; gnomAD 0.00004.
gnomAD v4.1: 22 of 1,613,800 alleles (0.0014%); highest among the groups gnomAD compares: African/African-American, 0.012%; no homozygotes.

Submissions (5):

Blueprint Genetics
Classification: Uncertain significance. Last evaluated: 2024-07-11. Review status: criteria provided, single submitter. Criteria: ACMG Guidelines, 2015. Collection method: clinical testing. Allele origin: germline.

Ambry Genetics
Classification: Uncertain significance for Inborn genetic diseases. Last evaluated: 2024-06-13. Review status: criteria provided, single submitter. Criteria: Ambry Variant Classification Scheme 2023. Collection method: clinical testing. Allele origin: germline.

Labcorp Genetics (formerly Invitae), Labcorp
Classification: Uncertain significance for Mitochondrial trifunctional protein deficiency; Long chain 3-hydroxyacyl-CoA dehydrogenase deficiency. Last evaluated: 2022-07-13. Review status: criteria provided, single submitter. Criteria: Invitae Variant Classification Sherloc (09022015). Collection method: clinical testing. Allele origin: germline.
Comment: This sequence change replaces alanine, which is neutral and non-polar, with threonine, which is neutral and polar, at codon 585 of the HADHA protein (p.Ala585Thr). The frequency data for this variant in the population databases is considered unreliable, as metrics indicate poor data quality at this position in the gnomAD database. This variant has not been reported in the literature in individuals affected with HADHA-related conditions. ClinVar contains an entry for this variant (Variation ID: 1046961). Advanced modeling of protein sequence and biophysical properties (such as structural, functional, and spatial information, amino acid conservation, physicochemical variation, residue mobility, and thermodynamic stability) performed at Invitae indicates that this missense variant is not expected to disrupt HADHA protein function. In summary, the available evidence is currently insufficient to determine the role of this variant in disease. Therefore, it has been classified as a Variant of Uncertain Significance.

Fulgent Genetics
Classification: Uncertain significance for Mitochondrial trifunctional protein deficiency 1; Long chain 3-hydroxyacyl-CoA dehydrogenase deficiency. Last evaluated: 2022-03-01. Review status: criteria provided, single submitter. Criteria: ACMG Guidelines, 2015. Collection method: clinical testing. Allele origin: unknown.

Natera, Inc.
Classification: Uncertain significance for Deficiency of long-chain 3-hydroxyacyl-coenzyme A dehydrogenase. Last evaluated: 2020-12-28. Review status: no assertion criteria provided. Collection method: clinical testing. Allele origin: germline. Not counted in ClinVar's aggregate classification.